The following is an entry in ClinVar:

ClinVar aggregate classification (germline): Pathogenic. Review status: criteria provided, multiple submitters, no conflicts (2 of 4 stars). 31 submissions from 31 submitters: Pathogenic (22). 9 of the submissions do not count toward it. Last evaluated 2026-09-11.

Conditions:
BRCA2-related disorder. Also called: BRCA2-related condition; BRCA2-related disorders. Identifiers: MedGen CN239275.
Hereditary breast ovarian cancer syndrome. Also called: Hereditary breast and ovarian cancer; Breast and ovarian cancer; Hereditary breast and/or ovarian cancer syndrome; Hereditary breast and ovarian cancer syndrome (HBOC); Hereditary breast and ovarian cancer syndrome; BRCA1- and BRCA2-Associated Hereditary Breast and Ovarian Cancer. Identifiers: Orphanet 145, MedGen C0677776, MeSH D061325, MONDO:0003582. Disease mechanism: loss of function.
Breast-ovarian cancer, familial, susceptibility to, 2 (BROVCA2). Also called: BRCA2 Hereditary Breast and Ovarian Cancer. Identifiers: Orphanet 145, MedGen C2675520, MONDO:0012933, OMIM 612555. Disease mechanism: loss of function.
Hereditary cancer-predisposing syndrome. Also called: Neoplastic Syndromes, Hereditary; Tumor predisposition; Hereditary Cancer Syndrome; Hereditary neoplastic syndrome. Identifiers: Orphanet 140162, MedGen C0027672, MeSH D009386, MONDO:0015356.
Ovarian neoplasm. Also called: Ovarian tumor; Neoplasm of ovary; Ovarian Neoplasms. Identifiers: MedGen C0919267, MeSH D010051, MONDO:0021068, HP:0100615.
Familial cancer of breast. Also called: BREAST CANCER, FAMILIAL; Hereditary breast cancer; hereditary breast carcinoma. Identifiers: Orphanet 227535, MedGen C0346153, MONDO:0016419, OMIM 114480. Disease mechanism: loss of function.
Malignant tumor of breast. Also called: Malignant breast neoplasm; Cancer breast. Identifiers: MedGen C0006142, MONDO:0007254. Disease mechanism: loss of function.

Allele frequency attached by ClinVar (database versions not stated): gnomAD exomes below 0.00001; TOPMed below 0.00001; ExAC 0.00001.
gnomAD v4.1: 1 of 1,614,058 alleles (0.000062%); no homozygotes.

Submissions 1 to 8 of 31:

PreventionGenetics, part of Exact Sciences
Classification: Pathogenic for BRCA2-related condition. Last evaluated: 2026-09-11. Review status: criteria provided, single submitter. Criteria: ACMG Guidelines, 2015. Collection method: clinical testing. Allele origin: germline.
Comment: The BRCA2 c.7976G>A variant is predicted to result in the amino acid substitution p.Arg2659Lys. In the literature this variant is also referred to as 8204G>A and R2569K. Functional studies have demonstrated that this variant results in skipping of exon 17 and the in-frame deletion of 171 bases (Hofmann et al. 2003. PubMed ID: 12624152; Table S3, Fraile-Bethencourt et al. 2017. PubMed ID: 28339459). Loss of BRCA2 exon 17 is deleterious for BRCA2 function in cells (Hofmann et al. 2003. PubMed ID: 12624152; Wu et al. 2005. PubMed ID: 15695382; Farrugia et al. 2008. PubMed ID: 18451181). This variant has been reported as causative in multiple patients with autosomal dominant hereditary breast, ovarian, or prostate cancers (Easton et al. 2007. PubMed ID: 17924331; Konstantopoulou et al. 2014. PubMed ID: 24010542; Susswein et al. 2016. PubMed ID: 26681312; Pritzlaff et al. 2017. PubMed ID: 28008555; Herold et al. 2018. PubMed ID: 29541174). This variant is reported in 0.00088% of alleles in individuals of European (Non-Finnish) descent in gnomAD and is classified as pathogenic/likely pathogenic in the ClinVar database (Variation ID: 38131). This variant is interpreted as pathogenic.

CeGaT Center for Human Genetics Tuebingen
Classification: Pathogenic. Last evaluated: 2026-05-01. Review status: criteria provided, single submitter. Criteria: CeGaT Center For Human Genetics Tuebingen Variant Classification Criteria Version 2. Collection method: clinical testing. Allele origin: germline. Affected: yes. Observed: 2 variant alleles.
Comment: BRCA2: PS4, PVS1:Strong, PM2

Labcorp Genetics (formerly Invitae), Labcorp
Classification: Pathogenic for Hereditary breast ovarian cancer syndrome. Last evaluated: 2025-12-24. Review status: criteria provided, single submitter. Criteria: Invitae Variant Classification Sherloc (09022015). Collection method: clinical testing. Allele origin: germline.
Comment: This sequence change replaces arginine, which is basic and polar, with lysine, which is basic and polar, at codon 2659 of the BRCA2 protein (p.Arg2659Lys). RNA analysis indicates that this missense change induces altered splicing and likely results in a shortened protein product. This variant is present in population databases (rs80359027, gnomAD 0.0009%). This missense change has been observed in individual(s) with breast and/or ovarian cancer (PMID: 12624152, 24010542, 25186627, 26681312). This variant is also known as 8204G>A. ClinVar contains an entry for this variant (Variation ID: 38131). Based on a multifactorial likelihood algorithm using genetic, in silico, and/or statistical data, this variant has been determined to have a high probability of being pathogenic (PMID: 17924331). Experimental studies have shown that this missense change affects BRCA2 function (PMID: 15695382). Variants that disrupt the consensus splice site are a relatively common cause of aberrant splicing (PMID: 17576681, 9536098). Studies have shown that this missense change results in skipping of exon 17, but is expected to preserve the integrity of the reading-frame (PMID: 12624152, 28339459; internal data). This variant disrupts the c.7976G nucleotide in the BRCA2 gene. Other variant(s) that disrupt this nucleotide have been determined to be pathogenic (PMID: 16489001, 19043619). This suggests that this nucleotide is clinically significant, and that variants that disrupt this position are likely to be disease-causing. For these reasons, this variant has been classified as Pathogenic.

Ambry Genetics
Classification: Pathogenic for Hereditary cancer-predisposing syndrome. Last evaluated: 2025-04-04. Review status: criteria provided, single submitter. Criteria: Ambry Variant Classification Scheme 2023. Collection method: clinical testing. Allele origin: germline.
Comment: The c.7976G>A pathogenic mutation (also known as p.R2659K), located in coding exon 16 of the BRCA2 gene, results from a G to A substitution at nucleotide position 7976. This change occurs in the last base pair of coding exon 16, which makes it likely to have some effect on normal mRNA splicing. In addition to potential splicing impact, this alteration changes the arginine at codon 2659 to lysine, an amino acid with highly similar properties. Multiple studies have demonstrated that this alteration leads to the skipping of coding exon 16, resulting in an in-frame deletion of 57 amino acids (Ambry internal data; Hofmann W et al. J. Med. Genet. 2003 Mar;40:e23; Fraile-Bethencourt E et al. PLoS Genet. 2017 Mar;13(3):e1006691). In addition to the splicing impact, functional studies have demonstrated that this alteration, which is located in the COOH-terminal DNA binding domain, inactivates BRCA2 protein function (Wu K et al. Cancer Res. 2005 Jan;65:417-26). A saturation genome editing-based study using a haploid cell-survival assay demonstrates that this nucleotide substitution is non-functional (Huang H et al. Nature, 2025 Feb;638:528-537). This alteration has been detected in numerous breast and/or ovarian cancer families (Rebbeck TR et al. Hum. Mutat. 2018 May;39(5):593-620). Based on the available evidence, this alteration is interpreted as a disease-causing mutation.

Center for Genomic Medicine, Rigshospitalet, Copenhagen University Hospital
Classification: Pathogenic. Last evaluated: 2025-03-04. Review status: criteria provided, single submitter. Criteria: ACMG Guidelines, 2015. Collection method: clinical testing. Allele origin: germline.

Quest Diagnostics Nichols Institute San Juan Capistrano
Classification: Pathogenic. Last evaluated: 2025-01-14. Review status: criteria provided, single submitter. Criteria: Quest Diagnostics criteria. Collection method: clinical testing. Allele origin: unknown.
Comment: The BRCA2 c.7976G>A (p.Arg2659Lys) variant has been reported in the published literature in individuals with breast and/or ovarian cancer (PMIDs: 24010542 (2014), 25186627 (2015), 26681312 (2015), 28008555 (2017), 32885271 (2021), and 34680387 (2021)). In a large scale breast cancer association study, this variant has been observed in a breast cancer case (PMID: 33471991 (2021), see also LOVD). Functional studies have demonstrated that this variant has a damaging effect on protein function (PMIDs: 12624152 (2003), 15695382 (2005), and 28339459 (2017)). The frequency of this variant in the general population (Genome Aggregation Database) is consistent with pathogenicity. Analysis of this variant using bioinformatics tools for the prediction of the effect of amino acid changes on protein structure and function yielded predictions that this variant is damaging. Based on the available information, this variant is classified as pathogenic.

Revvity Omics, Revvity
Classification: Pathogenic. Last evaluated: 2024-11-26. Review status: criteria provided, single submitter. Criteria: ACMG Guidelines, 2015. Collection method: clinical testing. Allele origin: germline.

Blueprint Genetics
Classification: Pathogenic for BRCA2-related disorders. Last evaluated: 2024-07-12. Review status: criteria provided, single submitter. Criteria: ACMG Guidelines, 2015. Collection method: clinical testing. Allele origin: germline. Affected: yes. Observed: 1 variant allele.

NM_000059.4(BRCA2):c.7976G>A (p.Arg2659Lys)

Gene: BRCA2 (BRCA2 DNA repair associated; plus strand). Cytogenetic location: 13q13.1.
Variant type: single nucleotide variant.
Coding change: c.7976G>A on transcript NM_000059.4 (MANE Select); coding-DNA position 7976, G replaced by A.
Protein change: p.Arg2659Lys; replaces arginine 2659 with lysine.
Molecular consequence: missense variant.
Genome position (GRCh38, 1-based): chr13:32,362,693, G>A. VCF-style: chr13-32362693-G-A. GRCh37 (hg19) VCF-style: chr13-32936830-G-A.
Other names: p.R2659K:AGA>AAA; 8204G>A; short protein forms R2659K.
Identifiers: ClinVar variation 38131 (VCV000038131.77), dbSNP rs80359027, ClinGen allele CA025368.